The following is an entry in ClinVar:

NM_031935.3(HMCN1):c.10742G>A (p.Gly3581Glu)

Gene: HMCN1 (hemicentin 1; plus strand). Cytogenetic location: 1q31.1.
Variant type: single nucleotide variant.
Coding change: c.10742G>A on transcript NM_031935.3 (MANE Select); coding-DNA position 10742, G replaced by A.
Protein change: p.Gly3581Glu; replaces glycine 3581 with glutamic acid.
Molecular consequence: missense variant.
Genome position (GRCh38, 1-based): chr1:186,103,640, G>A. VCF-style: chr1-186103640-G-A. GRCh37 (hg19) VCF-style: chr1-186072772-G-A.
Other names: short protein forms G3581E.
Identifiers: ClinVar variation 2467135 (VCV002467135.6), dbSNP rs780643248, ClinGen allele CA1293800.

ClinVar aggregate classification (germline): Uncertain significance. Review status: criteria provided, multiple submitters, no conflicts (2 of 4 stars). 2 submissions from 2 submitters: Uncertain significance (2). Last evaluated 2025-05-19.

Allele frequency attached by ClinVar (database versions not stated): gnomAD 0.00001; gnomAD exomes 0.00001; TOPMed 0.00002; ExAC 0.00006.
gnomAD v4.1: 12 of 1,613,656 alleles (0.00074%); highest among the groups gnomAD compares: East Asian, 0.016%; no homozygotes.

Submissions (2):

Ambry Genetics
Classification: Uncertain significance. Last evaluated: 2025-05-19. Review status: criteria provided, single submitter. Criteria: Ambry Variant Classification Scheme 2023. Collection method: clinical testing. Allele origin: germline.

Labcorp Genetics (formerly Invitae), Labcorp
Classification: Uncertain significance. Last evaluated: 2023-08-14. Review status: criteria provided, single submitter. Criteria: Invitae Variant Classification Sherloc (09022015). Collection method: clinical testing. Allele origin: germline.
Comment: This sequence change replaces glycine, which is neutral and non-polar, with glutamic acid, which is acidic and polar, at codon 3581 of the HMCN1 protein (p.Gly3581Glu). This variant is present in population databases (rs780643248, gnomAD 0.06%). In summary, the available evidence is currently insufficient to determine the role of this variant in disease. Therefore, it has been classified as a Variant of Uncertain Significance. An algorithm developed to predict the effect of missense changes on protein structure and function (PolyPhen-2) suggests that this variant is likely to be disruptive. ClinVar contains an entry for this variant (Variation ID: 2467135). This variant has not been reported in the literature in individuals affected with HMCN1-related conditions.